The following is an entry in ClinVar:

NM_058216.3(RAD51C):c.10A>C (p.Lys4Gln)

Gene: RAD51C (RAD51 paralog C; plus strand). Cytogenetic location: 17q22.
Variant type: single nucleotide variant.
Coding change: c.10A>C on transcript NM_058216.3 (MANE Select); coding-DNA position 10, A replaced by C.
Protein change: p.Lys4Gln; replaces lysine 4 with glutamine.
Molecular consequence: missense variant. On other transcripts: non-coding transcript variant (2).
Genome position (GRCh38, 1-based): chr17:58,692,653, A>C. VCF-style: chr17-58692653-A-C. GRCh37 (hg19) VCF-style: chr17-56770014-A-C.
Other names: c.10A>C, p.Lys4Gln (NM_002876.4, NM_058217.1); short protein forms K4Q.
Identifiers: ClinVar variation 1791888 (VCV001791888.7), dbSNP rs2047798556, ClinGen allele CA400336117.

ClinVar aggregate classification (germline): Conflicting classifications of pathogenicity. Review status: criteria provided, conflicting classifications (1 of 4 stars). 2 submissions from 2 submitters: Uncertain significance (1); Likely benign (1). Last evaluated 2024-02-23.

Conditions:
Fanconi anemia complementation group O. Also called: RAD51C-Related Fanconi Anemia. Identifiers: Orphanet 84, MedGen C3150653, MONDO:0013248, OMIM 613390.
Hereditary cancer-predisposing syndrome. Also called: Neoplastic Syndromes, Hereditary; Tumor predisposition; Hereditary neoplastic syndrome; Hereditary Cancer Syndrome. Identifiers: Orphanet 140162, MedGen C0027672, MeSH D009386, MONDO:0015356.

Submissions (2):

Ambry Genetics
Classification: Likely benign for Hereditary cancer-predisposing syndrome. Last evaluated: 2024-02-23. Review status: criteria provided, single submitter. Criteria: Ambry Variant Classification Scheme 2023. Collection method: clinical testing. Allele origin: germline.

Labcorp Genetics (formerly Invitae), Labcorp
Classification: Uncertain significance for Fanconi anemia complementation group O. Last evaluated: 2022-06-28. Review status: criteria provided, single submitter. Criteria: Invitae Variant Classification Sherloc (09022015). Collection method: clinical testing. Allele origin: germline.
Comment: This sequence change replaces lysine, which is basic and polar, with glutamine, which is neutral and polar, at codon 4 of the RAD51C protein (p.Lys4Gln). This variant is not present in population databases (gnomAD no frequency). This variant has not been reported in the literature in individuals affected with RAD51C-related conditions. Algorithms developed to predict the effect of missense changes on protein structure and function output the following: SIFT: "Tolerated"; PolyPhen-2: "Benign"; Align-GVGD: "Class C0". The glutamine amino acid residue is found in multiple mammalian species, which suggests that this missense change does not adversely affect protein function. In summary, the available evidence is currently insufficient to determine the role of this variant in disease. Therefore, it has been classified as a Variant of Uncertain Significance.